The following is an entry in ClinVar:

NM_001297.5(CNGB1):c.3639G>C (p.Glu1213Asp)

Gene: CNGB1 (cyclic nucleotide gated channel subunit beta 1; minus strand). Cytogenetic location: 16q21.
Variant type: single nucleotide variant.
Coding change: c.3639G>C on transcript NM_001297.5 (MANE Select); coding-DNA position 3639, G replaced by C.
Protein change: p.Glu1213Asp; replaces glutamic acid 1213 with aspartic acid.
Molecular consequence: missense variant.
Genome position (GRCh38, 1-based): chr16:57,884,281, C>G on the plus strand (G>C on the coding strand, the complement: CNGB1 is on the minus strand). VCF-style: chr16-57884281-C-G. GRCh37 (hg19) VCF-style: chr16-57918185-C-G.
Other names: c.3621G>C, p.Glu1207Asp (NM_001286130.2); short protein forms E1213D, E1207D.
Identifiers: ClinVar variation 320055 (VCV000320055.7), dbSNP rs886052191, ClinGen allele CA10644011.

ClinVar aggregate classification (germline): Uncertain significance. Review status: criteria provided, multiple submitters, no conflicts (2 of 4 stars). 2 submissions from 2 submitters: Uncertain significance (2). Last evaluated 2021-10-20.

Conditions:
Retinitis pigmentosa (RP). Identifiers: Orphanet 791, MedGen C0035334, MeSH D012174, MONDO:0019200, OMIM 268000. Inheritance: Autosomal dominant, autosomal recessive and X linked inheritance.

Allele frequency attached by ClinVar (database versions not stated): TOPMed below 0.00001; gnomAD 0.00001; gnomAD exomes 0.00001.
gnomAD v4.1: 4 of 1,613,454 alleles (0.00025%); highest among the groups gnomAD compares: African/African-American, 0.0013%; no homozygotes.

Submissions (2):

Labcorp Genetics (formerly Invitae), Labcorp
Classification: Uncertain significance. Last evaluated: 2021-10-20. Review status: criteria provided, single submitter. Criteria: Invitae Variant Classification Sherloc (09022015). Collection method: clinical testing. Allele origin: germline.
Comment: This sequence change replaces glutamic acid with aspartic acid at codon 1213 of the CNGB1 protein (p.Glu1213Asp). The glutamic acid residue is weakly conserved and there is a small physicochemical difference between glutamic acid and aspartic acid. This variant is not present in population databases (ExAC no frequency). This variant has not been reported in the literature in individuals with CNGB1-related conditions. ClinVar contains an entry for this variant (Variation ID: 320055). Advanced modeling of protein sequence and biophysical properties (such as structural, functional, and spatial information, amino acid conservation, physicochemical variation, residue mobility, and thermodynamic stability) performed at Invitae indicates that this missense variant is not expected to disrupt CNGB1 protein function. In summary, the available evidence is currently insufficient to determine the role of this variant in disease. Therefore, it has been classified as a Variant of Uncertain Significance.

Illumina Laboratory Services, Illumina
Classification: Uncertain significance for Retinitis pigmentosa. Last evaluated: 2018-01-13. Review status: criteria provided, single submitter. Criteria: ICSL Variant Classification Criteria 13 December 2019. Collection method: clinical testing. Allele origin: germline.